The following is an entry in ClinVar:

NM_017841.4(SDHAF2):c.27_28del (p.Ser10fs)

Gene: SDHAF2 (succinate dehydrogenase complex assembly factor 2; plus strand). Cytogenetic location: 11q12.2.
Variant type: Deletion.
Coding change: c.27_28del on transcript NM_017841.4 (MANE Select); coding-DNA positions 27 to 28, 2 bases deleted (TT; older notation c.27_28delTT).
Protein change: p.Ser10fs; shifts the reading frame from serine 10.
Molecular consequence: frameshift variant.
Genome position (GRCh38, 1-based): chr11:61,430,173-61,430,174, TT deleted. VCF-style (leftmost placement, unchanged base first): chr11-61430172-CTT-C. GRCh37 (hg19) VCF-style: chr11-61197644-CTT-C.
Other names: short protein forms S10fs.
Identifiers: ClinVar variation 4856724 (VCV004856724.1).
Genomic context (GRCh38, chr11:61,430,172, plus strand): 5'-GCCCGCGCAGCCGGTTTCCGGTGCAGGTGGGGAAAATGGCGGTGTCTACAGTGTTCTCGA[CTT>C]CGTCGCTGGTGAGGAGAGAGAACGTTCTAGCGTCCGGGGCGGGCGGCAGCGGGGATTACC-3'

ClinVar aggregate classification (germline): Pathogenic (1 of 4 stars; one submission).

Conditions:
Pheochromocytoma/paraganglioma syndrome 2. Also called: GLOMUS TUMORS, FAMILIAL, 2; Paragangliomas 2; SDHAF2-Related Hereditary Paraganglioma-Pheochromocytoma Syndrome (Paragangliomas 2); SDHAF2-Related Hereditary Paraganglioma-Pheochromocytoma Syndrome. Identifiers: Orphanet 29072, MedGen C1866552, MONDO:0011121, OMIM 601650.

Submission:

Myriad Genetics, Inc.
Classification: Pathogenic for Pheochromocytoma/paraganglioma syndrome 2. Last evaluated: 2026-01-23. Review status: criteria provided, single submitter. Criteria: Myriad Autosomal Dominant, Autosomal Recessive and X-Linked Classification Criteria (2023). Collection method: clinical testing. Allele origin: unknown.
Comment: This variant is considered pathogenic. This variant creates a frameshift predicted to result in premature protein truncation.